The following is an entry in ClinVar:

ClinVar aggregate classification (germline): Benign/Likely benign. Review status: criteria provided, multiple submitters, no conflicts (2 of 4 stars). 11 submissions from 11 submitters: Benign (2); Likely benign (8). 1 of the submissions does not count toward it. Last evaluated 2026-02-01.

Conditions:
MYH7-related disorder. Also called: MYH7-related condition; MYH7-related disease; MYH7-related disorders.
Hypertrophic cardiomyopathy 1 (CMH1). Also called: Familial hypertrophic cardiomyopathy 1; MYH7-Related Familial Hypertrophic Cardiomyopathy. Identifiers: MedGen C3495498, MONDO:0008647, OMIM 192600.
Myopathy, myosin storage, autosomal recessive (CMYO7B). Also called: CONGENITAL MYOPATHY 7B, MYOSIN STORAGE, AUTOSOMAL RECESSIVE. Identifiers: Orphanet 636970, MedGen C1850709, MONDO:0009708, OMIM 255160.
Myosin storage myopathy (CMYO7A). Also called: MYOPATHY WITH LYSIS OF TYPE I MYOFIBRILS; MYOPATHY, HYALINE BODY, AUTOSOMAL DOMINANT; SCAPULOPERONEAL MUSCULAR DYSTROPHY; SCAPULOPERONEAL SYNDROME, MYOPATHIC TYPE; MYH7-related late-onset scapuloperoneal muscular dystrophy; Congenital myopathy 7A, myosin storage, autosomal dominant. Identifiers: Orphanet 437572, Orphanet 636965, MedGen C1842160, MONDO:0008409, OMIM 608358.
Dilated cardiomyopathy 1S (CMD1S). Identifiers: Orphanet 154, Orphanet 54260, MedGen C1834481, MONDO:0013262, OMIM 613426.
MYH7-related skeletal myopathy. Also called: Myopathy, distal, 1; Laing distal myopathy; MYOPATHY, DISTAL, EARLY-ONSET, AUTOSOMAL DOMINANT; MYOPATHY, LATE DISTAL HEREDITARY; Laing early-onset distal myopathy. Identifiers: Orphanet 59135, MedGen C4552004, MONDO:0008050, OMIM 160500.
Congenital myopathy with fiber type disproportion. Also called: Congenital fiber-type disproportion myopathy; Congenital fiber-type disproportion. Identifiers: Orphanet 2020, MedGen C0546264, MONDO:0009711. Inheritance: all.
Cardiovascular phenotype. Identifiers: MedGen CN230736.
Cardiomyopathy (CMYO). Also called: Cardiomyopathies. Identifiers: Orphanet 167848, MedGen C0878544, MONDO:0004994, HP:0001638. Inheritance: Various modes of inheritance.
Hypertrophic cardiomyopathy. Also called: HYPERTROPHIC MYOCARDIOPATHY. Identifiers: Orphanet 217569, MedGen C0007194, MeSH D002312, MONDO:0005045, HP:0001639.

Allele frequency attached by ClinVar (database versions not stated): TOPMed 0.00009.
gnomAD v4.1: 154 of 1,614,092 alleles (0.0095%); highest among the groups gnomAD compares: Admixed American, 0.025%; no homozygotes.

Submissions (11):

Labcorp Genetics (formerly Invitae), Labcorp
Classification: Benign for Hypertrophic cardiomyopathy. Last evaluated: 2026-02-01. Review status: criteria provided, single submitter. Criteria: Invitae Variant Classification Sherloc (09022015). Collection method: clinical testing. Allele origin: germline.

CeGaT Center for Human Genetics Tuebingen
Classification: Likely benign. Last evaluated: 2023-09-01. Review status: criteria provided, single submitter. Criteria: CeGaT Center For Human Genetics Tuebingen Variant Classification Criteria Version 2. Collection method: clinical testing. Allele origin: germline. Affected: yes. Observed: 1 variant allele.
Comment: MYH7: BP4, BP7

Blueprint Genetics
Classification: Likely benign. Last evaluated: 2022-10-25. Review status: criteria provided, single submitter. Criteria: ACMG Guidelines, 2015. Collection method: clinical testing. Allele origin: germline.

Fulgent Genetics
Classification: Likely benign for MYH7-related skeletal myopathy; Myosin storage myopathy; Hypertrophic cardiomyopathy 1; Myopathy, myosin storage, autosomal recessive; Congenital myopathy 4A, autosomal dominant; Dilated cardiomyopathy 1S. Last evaluated: 2021-08-18. Review status: criteria provided, single submitter. Criteria: ACMG Guidelines, 2015. Collection method: clinical testing. Allele origin: unknown.

Women's Health and Genetics/Laboratory Corporation of America, LabCorp
Classification: Likely benign. Last evaluated: 2020-04-04. Review status: criteria provided, single submitter. Criteria: LabCorp Variant Classification Summary - May 2015. Collection method: clinical testing. Allele origin: germline.

Ambry Genetics
Classification: Likely benign for Cardiovascular phenotype. Last evaluated: 2020-03-27. Review status: criteria provided, single submitter. Criteria: Ambry Variant Classification Scheme 2023. Collection method: clinical testing. Allele origin: germline.

Color Diagnostics, LLC DBA Color Health
Classification: Likely benign for Cardiomyopathy. Last evaluated: 2018-03-05. Review status: criteria provided, single submitter. Criteria: ACMG Guidelines, 2015. Collection method: clinical testing. Allele origin: germline.

CHEO Genetics Diagnostic Laboratory, Children's Hospital of Eastern Ontario
Classification: Likely benign for Cardiomyopathy. Last evaluated: 2018-02-16. Review status: criteria provided, single submitter. Criteria: ACMG Guidelines, 2015. Collection method: clinical testing. Allele origin: germline.

GeneDx
Classification: Benign. Last evaluated: 2015-03-03. Review status: criteria provided, single submitter. Criteria: GeneDx Variant Classification Process June 2021. Collection method: clinical testing. Allele origin: germline. Affected: yes.

Laboratory for Molecular Medicine, Mass General Brigham Personalized Medicine
Classification: Likely benign. Last evaluated: 2008-03-01. Review status: criteria provided, single submitter. Criteria: LMM Criteria. Collection method: clinical testing. Allele origin: germline. Observed: 1 variant allele.

PreventionGenetics, part of Exact Sciences
Classification: Likely benign for MYH7-related condition. Last evaluated: 2020-10-05. Review status: no assertion criteria provided. Collection method: clinical testing. Allele origin: germline. Not counted in ClinVar's aggregate classification.
Comment: This variant is classified as likely benign based on ACMG/AMP sequence variant interpretation guidelines (Richards et al. 2015 PMID: 25741868, with internal and published modifications).

NM_000257.4(MYH7):c.396G>T (p.Pro132=)

Gene: MYH7 (myosin heavy chain 7; minus strand). Cytogenetic location: 14q11.2.
Variant type: single nucleotide variant.
Coding change: c.396G>T on transcript NM_000257.4 (MANE Select); coding-DNA position 396, G replaced by T.
Protein change: p.Pro132=; no amino-acid change (proline 132 retained).
Molecular consequence: synonymous variant.
Genome position (GRCh38, 1-based): chr14:23,432,745, C>A on the plus strand (G>T on the coding strand, the complement: MYH7 is on the minus strand). VCF-style: chr14-23432745-C-A. GRCh37 (hg19) VCF-style: chr14-23901954-C-A.
Identifiers: ClinVar variation 42982 (VCV000042982.52), dbSNP rs138932714, ClinGen allele CA014261.